The following is an entry in ClinVar:

NM_000037.4(ANK1):c.1122del (p.Leu375fs)

Gene: ANK1 (ankyrin 1; minus strand). Cytogenetic location: 8p11.21.
Variant type: Deletion.
Coding change: c.1122del on transcript NM_000037.4 (MANE Select); coding-DNA position 1122, one base deleted (C; older notation c.1122delC).
Protein change: p.Leu375fs; shifts the reading frame from leucine 375.
Molecular consequence: frameshift variant.
Genome position (GRCh38, 1-based): chr8:41,718,190, G deleted on the plus strand (C on the coding strand, the reverse complement: ANK1 is on the minus strand); the first of 5 consecutive G bases (chr8:41,718,190-41,718,194); deleting any one gives the same sequence. VCF-style (leftmost placement, unchanged base first): chr8-41718189-AG-A. GRCh37 (hg19) VCF-style: chr8-41575707-AG-A.
Other names: c.1221del, p.Leu408fs (NM_001142446.2); c.1122del, p.Leu375fs (NM_020475.3, NM_020476.3, NM_020477.3); short protein forms L408fs, L375fs.
Identifiers: ClinVar variation 2060516 (VCV002060516.4), dbSNP rs2486933586, ClinGen allele CA2580078386.
Genomic context (GRCh38, chr8:41,718,189, plus strand): 5'-CTCCCGTCTTCAGCAGCAGCTCCATGACACGGACGTGGTTCTTTTTGCAGGCGATGTGTA[AG>A]GGGGTAAAGCCATTCTGCAGCCCACACAAAGGGAGACAGACAAGCAGGAGCTTACACACG-3'

ClinVar aggregate classification (germline): Pathogenic (1 of 4 stars; one submission).

Submission:

Labcorp Genetics (formerly Invitae), Labcorp
Classification: Pathogenic. Last evaluated: 2025-12-28. Review status: criteria provided, single submitter. Criteria: Invitae Variant Classification Sherloc (09022015). Collection method: clinical testing. Allele origin: germline.
Comment: This sequence change creates a premature translational stop signal (p.Leu375Tyrfs*17) in the ANK1 gene. It is expected to result in an absent or disrupted protein product. Loss-of-function variants in ANK1 are known to be pathogenic (PMID: 8640229). This variant is not present in population databases (gnomAD no frequency). This variant has not been reported in the literature in individuals affected with ANK1-related conditions. ClinVar contains an entry for this variant (Variation ID: 2060516). For these reasons, this variant has been classified as Pathogenic.

Literature cited by the submitters: PubMed 8640229.